The following is an entry in ClinVar:

ClinVar aggregate classification (germline): Benign/Likely benign. Review status: criteria provided, multiple submitters, no conflicts (2 of 4 stars). 2 submissions from 2 submitters: Benign (1); Likely benign (1). Last evaluated 2026-01-05.

Conditions:
Colorectal cancer, susceptibility to, 12 (CRCS12). Also called: COLORECTAL CANCER, SUSCEPTIBILITY TO, ON CHROMOSOME 12q24. Identifiers: Orphanet 220460, MedGen C3554460, MONDO:0014038, OMIM 615083.

Submissions (2):

Labcorp Genetics (formerly Invitae), Labcorp
Classification: Likely benign. Last evaluated: 2026-01-05. Review status: criteria provided, single submitter. Criteria: Invitae Variant Classification Sherloc (09022015). Collection method: clinical testing. Allele origin: germline.

Myriad Genetics, Inc.
Classification: Benign for Colorectal cancer, susceptibility to, 12. Last evaluated: 2025-02-10. Review status: criteria provided, single submitter. Criteria: Myriad Autosomal Dominant, Autosomal Recessive and X-Linked Classification Criteria (2023). Collection method: clinical testing. Allele origin: unknown.
Comment: This variant is considered benign. This variant is a silent/synonymous amino acid change and it is not expected to impact splicing.

NM_006231.4(POLE):c.1338G>T (p.Arg446=)

Gene: POLE (DNA polymerase epsilon, catalytic subunit; minus strand). Cytogenetic location: 12q24.33.
Variant type: single nucleotide variant.
Coding change: c.1338G>T on transcript NM_006231.4 (MANE Select); coding-DNA position 1338, G replaced by T.
Protein change: p.Arg446=; no amino-acid change (arginine 446 retained).
Molecular consequence: synonymous variant.
Genome position (GRCh38, 1-based): chr12:132,673,596, C>A on the plus strand (G>T on the coding strand, the complement: POLE is on the minus strand). VCF-style: chr12-132673596-C-A. GRCh37 (hg19) VCF-style: chr12-133250182-C-A.
Identifiers: ClinVar variation 857019 (VCV000857019.11), dbSNP rs2042980301, ClinGen allele CA482722772.